The following is an entry in ClinVar:

ClinVar aggregate classification (germline): Pathogenic/Likely pathogenic. Review status: criteria provided, multiple submitters, no conflicts (2 of 4 stars). 5 submissions from 5 submitters: Pathogenic (1); Likely pathogenic (3). 1 of the submissions does not count toward it. Last evaluated 2024-03-20.

Conditions:
MYO15A-related disorder. Also called: MYO15A-related condition.
Autosomal recessive nonsyndromic hearing loss 3. Also called: NEUROSENSORY NONSYNDROMIC RECESSIVE DEAFNESS 3. Identifiers: Orphanet 90636, MedGen C1838263, MONDO:0010860, OMIM 600316.
Hearing impairment. Also called: Impaired Hearing. Identifiers: MedGen C1384666, MONDO:0005365, HP:0000365.

Submissions (5):

Labcorp Genetics (formerly Invitae), Labcorp
Classification: Pathogenic. Last evaluated: 2024-03-20. Review status: criteria provided, single submitter. Criteria: Invitae Variant Classification Sherloc (09022015). Collection method: clinical testing. Allele origin: germline.
Comment: This sequence change creates a premature translational stop signal (p.Pro958Leufs*28) in the MYO15A gene. It is expected to result in an absent or disrupted protein product. Loss-of-function variants in MYO15A are known to be pathogenic (PMID: 17546645). This variant is not present in population databases (gnomAD no frequency). This variant has not been reported in the literature in individuals affected with MYO15A-related conditions. ClinVar contains an entry for this variant (Variation ID: 1065003). For these reasons, this variant has been classified as Pathogenic.

Fulgent Genetics
Classification: Likely pathogenic for Autosomal recessive nonsyndromic hearing loss 3. Last evaluated: 2024-03-04. Review status: criteria provided, single submitter. Criteria: ACMG Guidelines, 2015. Collection method: clinical testing. Allele origin: germline.

Blueprint Genetics
Classification: Likely pathogenic for MYO15A-related disorders. Last evaluated: 2023-07-07. Review status: criteria provided, single submitter. Criteria: ACMG Guidelines, 2015. Collection method: clinical testing. Allele origin: germline. Affected: yes. Observed: 2 variant alleles.

Department of Otolaryngology – Head & Neck Surgery, Cochlear Implant Center
Classification: Likely pathogenic for Hearing impairment. Last evaluated: 2021-04-12. Review status: criteria provided, single submitter. Criteria: ClinGen HL ACMG Specifications v1. Collection method: clinical testing. Allele origin: germline. Affected: yes.
Comment: PSV1_Strong, PM2_Moderate

Zotz-Klimas Genetics Lab, MVZ Zotz Klimas
Classification: Likely pathogenic for Autosomal recessive nonsyndromic hearing loss 3. Last evaluated: 2023-10-09. Review status: no assertion criteria provided. Collection method: clinical testing. Allele origin: germline. Affected: yes. Not counted in ClinVar's aggregate classification.

Literature cited by the submitters: PubMed 17546645 (cited by Labcorp Genetics (formerly Invitae), Labcorp).

NM_016239.4(MYO15A):c.2873del (p.Pro958fs)

Gene: MYO15A (myosin XVA; plus strand). Cytogenetic location: 17p11.2.
Variant type: Deletion.
Coding change: c.2873del on transcript NM_016239.4 (MANE Select); coding-DNA position 2873, one base deleted (C; older notation c.2873delC).
Protein change: p.Pro958fs; shifts the reading frame from proline 958.
Molecular consequence: frameshift variant.
Genome position (GRCh38, 1-based): chr17:18,121,673, C deleted; the last of 5 consecutive C bases (chr17:18,121,669-18,121,673); deleting any one gives the same sequence. VCF-style (leftmost placement, unchanged base first): chr17-18121668-AC-A. GRCh37 (hg19) VCF-style: chr17-18024982-AC-A.
Other names: short protein forms P958fs.
Identifiers: ClinVar variation 1065003 (VCV001065003.8), dbSNP rs1217492313, ClinGen allele CA498429414.